The following is an entry in ClinVar:

NM_198253.3(TERT):c.3065A>G (p.His1022Arg)

Gene: TERT (telomerase reverse transcriptase; minus strand). Cytogenetic location: 5p15.33.
Variant type: single nucleotide variant.
Coding change: c.3065A>G on transcript NM_198253.3 (MANE Select); coding-DNA position 3065, A replaced by G.
Protein change: p.His1022Arg; replaces histidine 1022 with arginine.
Molecular consequence: missense variant. On other transcripts: non-coding transcript variant (2).
Genome position (GRCh38, 1-based): chr5:1,255,379, T>C on the plus strand (A>G on the coding strand, the complement: TERT is on the minus strand). VCF-style: chr5-1255379-T-C. GRCh37 (hg19) VCF-style: chr5-1255494-T-C.
Other names: c.2876A>G, p.His959Arg (NM_001193376.3); c.3065A>G, p.His1022Arg (NM_003219.1); short protein forms H1022R, H959R.
Identifiers: ClinVar variation 1799416 (VCV001799416.2), dbSNP rs878855304, ClinGen allele CA112924616.

ClinVar aggregate classification (germline): Uncertain significance (1 of 4 stars; one submission).

Conditions:
Dyskeratosis congenita. Identifiers: Orphanet 1775, MedGen C0265965, MONDO:0015780.

Allele frequency attached by ClinVar (database versions not stated): TOPMed 0.00001.
gnomAD v4.1: 1 of 1,614,198 alleles (0.000062%); highest among the groups gnomAD compares: Admixed American, 0.0017%; no homozygotes.

Submission:

Ambry Genetics
Classification: Uncertain significance for Dyskeratosis congenita. Last evaluated: 2022-04-24. Review status: criteria provided, single submitter. Criteria: Ambry Variant Classification Scheme 2023. Collection method: clinical testing. Allele origin: germline.
Comment: The p.H1022R variant (also known as c.3065A>G), located in coding exon 14 of the TERT gene, results from an A to G substitution at nucleotide position 3065. The histidine at codon 1022 is replaced by arginine, an amino acid with highly similar properties. This amino acid position is conserved. In addition, this alteration is predicted to be tolerated by in silico analysis. Since supporting evidence is limited at this time, the clinical significance of this alteration remains unclear.